The following is an entry in ClinVar:

ClinVar aggregate classification (germline): Uncertain significance (1 of 4 stars; one submission).

Submission:

Labcorp Genetics (formerly Invitae), Labcorp
Classification: Uncertain significance. Last evaluated: 2022-04-04. Review status: criteria provided, single submitter. Criteria: Invitae Variant Classification Sherloc (09022015). Collection method: clinical testing. Allele origin: germline.
Comment: This variant is not present in population databases (gnomAD no frequency). This sequence change replaces methionine, which is neutral and non-polar, with threonine, which is neutral and polar, at codon 640 of the HPS1 protein (p.Met640Thr). This variant has not been reported in the literature in individuals affected with HPS1-related conditions. In summary, the available evidence is currently insufficient to determine the role of this variant in disease. Therefore, it has been classified as a Variant of Uncertain Significance. Algorithms developed to predict the effect of missense changes on protein structure and function (SIFT, PolyPhen-2, Align-GVGD) all suggest that this variant is likely to be tolerated.

NM_000195.5(HPS1):c.1919T>C (p.Met640Thr)

Gene: HPS1 (HPS1 biogenesis of lysosomal organelles complex 3 subunit 1; minus strand). Cytogenetic location: 10q24.2.
Variant type: single nucleotide variant.
Coding change: c.1919T>C on transcript NM_000195.5 (MANE Select); coding-DNA position 1919, T replaced by C.
Protein change: p.Met640Thr; replaces methionine 640 with threonine.
Molecular consequence: missense variant.
Genome position (GRCh38, 1-based): chr10:98,418,196, A>G on the plus strand (T>C on the coding strand, the complement: HPS1 is on the minus strand). VCF-style: chr10-98418196-A-G. GRCh37 (hg19) VCF-style: chr10-100177953-A-G.
Other names: c.947T>C, p.Met316Thr (NM_001311345.2, NM_001322487.2, NM_001322489.2); c.1919T>C, p.Met640Thr (NM_001322476.2, NM_001322477.2); c.1820T>C, p.Met607Thr (NM_001322478.2, NM_001322479.2); c.1658T>C, p.Met553Thr (NM_001322480.2, NM_001322481.2); c.1559T>C, p.Met520Thr (NM_001322482.2); c.1550T>C, p.Met517Thr (NM_001322483.2, NM_001322484.2); c.1451T>C, p.Met484Thr (NM_001322485.2); short protein forms M553T, M640T, M316T, M484T, M517T, M520T, M607T.
Identifiers: ClinVar variation 2121371 (VCV002121371.4), dbSNP rs2538733210, ClinGen allele CA378042765.
Genomic context (GRCh38, chr10:98,418,196, plus strand): 5'-GGGGGCATCTGTCCCCAGTGGCTCCCAACGCAGCGTCACCTGTAGTAGTCTCCTCCCAGC[A>G]TGCCGATAGGCACTGAGTCGTCGGAGAGGACGGGCACCTCGATCATCTGGAGTTTGTACC-3'
Protein context (NP_000186.2, residues 630-650): VLSDDSVPIG[Met640Thr]LGGDYYRKLL